The following is an entry in ClinVar:

NM_004656.4(BAP1):c.1354C>G (p.Leu452Val)

Gene: BAP1 (BRCA1 associated deubiquitinase 1; minus strand). Cytogenetic location: 3p21.1.
Variant type: single nucleotide variant.
Coding change: c.1354C>G on transcript NM_004656.4 (MANE Select); coding-DNA position 1354, C replaced by G.
Protein change: p.Leu452Val; replaces leucine 452 with valine.
Molecular consequence: missense variant.
Genome position (GRCh38, 1-based): chr3:52,403,791, G>C on the plus strand (C>G on the coding strand, the complement: BAP1 is on the minus strand). VCF-style: chr3-52403791-G-C. GRCh37 (hg19) VCF-style: chr3-52437807-G-C.
Other names: c.1354C>G (LRG_529t1); short protein forms L452V.
Identifiers: ClinVar variation 485286 (VCV000485286.14), dbSNP rs1273586744, ClinGen allele CA353101873.

ClinVar aggregate classification (germline): Uncertain significance. Review status: criteria provided, multiple submitters, no conflicts (2 of 4 stars). 3 submissions from 3 submitters: Uncertain significance (3). Last evaluated 2024-03-06.

Conditions:
Hereditary cancer-predisposing syndrome. Also called: Neoplastic Syndromes, Hereditary; Tumor predisposition; Hereditary Cancer Syndrome; Hereditary neoplastic syndrome. Identifiers: Orphanet 140162, MedGen C0027672, MeSH D009386, MONDO:0015356.
BAP1-related tumor predisposition syndrome (TPDS1). Also called: Tumor susceptibility linked to germline BAP1 mutations; BAP1 tumor predisposition syndrome; COMMON Syndrome; TUMOR PREDISPOSITION SYNDROME 1. Identifiers: Orphanet 289539, MedGen C3280492, MONDO:0013692, OMIM 614327.

Submissions (3):

Color Diagnostics, LLC DBA Color Health
Classification: Uncertain significance for Hereditary cancer-predisposing syndrome. Last evaluated: 2024-03-06. Review status: criteria provided, single submitter. Criteria: ACMG Guidelines, 2015. Collection method: clinical testing. Allele origin: germline.
Comment: This missense variant replaces leucine with valine at codon 452 of the BAP1 protein. Computational prediction suggests that this variant may not impact protein structure and function (internally defined REVEL score threshold <= 0.5, PMID: 27666373). To our knowledge, functional studies have not been reported for this variant. This variant has not been reported in individuals affected with hereditary cancer in the literature. This variant has not been identified in the general population by the Genome Aggregation Database (gnomAD). The available evidence is insufficient to determine the role of this variant in disease conclusively. Therefore, this variant is classified as a Variant of Uncertain Significance.

Labcorp Genetics (formerly Invitae), Labcorp
Classification: Uncertain significance for BAP1-related tumor predisposition syndrome. Last evaluated: 2021-06-07. Review status: criteria provided, single submitter. Criteria: Invitae Variant Classification Sherloc (09022015). Collection method: clinical testing. Allele origin: germline.
Comment: In summary, the available evidence is currently insufficient to determine the role of this variant in disease. Therefore, it has been classified as a Variant of Uncertain Significance. Algorithms developed to predict the effect of sequence changes on RNA splicing suggest that this variant may create or strengthen a splice site, but this prediction has not been confirmed by published transcriptional studies. Algorithms developed to predict the effect of missense changes on protein structure and function are either unavailable or do not agree on the potential impact of this missense change (SIFT: "Deleterious"; PolyPhen-2: "Probably Damaging"; Align-GVGD: "Class C0"). This variant has not been reported in the literature in individuals with BAP1-related conditions. ClinVar contains an entry for this variant (Variation ID: 485286). This variant is not present in population databases (ExAC no frequency). This sequence change replaces leucine with valine at codon 452 of the BAP1 protein (p.Leu452Val). The leucine residue is highly conserved and there is a small physicochemical difference between leucine and valine.

Ambry Genetics
Classification: Uncertain significance for Hereditary cancer-predisposing syndrome. Last evaluated: 2016-05-02. Review status: criteria provided, single submitter. Criteria: Ambry Variant Classification Scheme 2023. Collection method: clinical testing. Allele origin: germline.
Comment: The p.L452V variant (also known as c.1354C>G), located in coding exon 13 of the BAP1 gene, results from a C to G substitution at nucleotide position 1354. The leucine at codon 452 is replaced by valine, an amino acid with highly similar properties. This variant was not reported in population based cohorts in the following databases: Database of Single Nucleotide Polymorphisms (dbSNP), NHLBI Exome Sequencing Project (ESP), and 1000 Genomes Project. In the ESP, this variant was not observed in 6503 samples (13006 alleles) with coverage at this position. To date, this alteration has been detected with an allele frequency of approximately 0.02% (greater than 5000 alleles tested) in our clinical cohort. This amino acid position is highly conserved in available vertebrate species. In addition, the in silico prediction for this alteration is inconclusive. Since supporting evidence is limited at this time, the clinical significance of this alteration remains unclear.